The following is an entry in ClinVar:

NM_013275.6(ANKRD11):c.3441C>T (p.Asp1147=)

Gene: ANKRD11 (ankyrin repeat domain 11; minus strand). Cytogenetic location: 16q24.3.
Variant type: single nucleotide variant.
Coding change: c.3441C>T on transcript NM_013275.6 (MANE Select); coding-DNA position 3441, C replaced by T.
Protein change: p.Asp1147=; no amino-acid change (aspartic acid 1147 retained).
Molecular consequence: synonymous variant.
Genome position (GRCh38, 1-based): chr16:89,283,101, G>A on the plus strand (C>T on the coding strand, the complement: ANKRD11 is on the minus strand). VCF-style: chr16-89283101-G-A. GRCh37 (hg19) VCF-style: chr16-89349509-G-A.
Other names: c.3441C>T, p.Asp1147= (NM_001256182.2, NM_001256183.2).
Identifiers: ClinVar variation 808152 (VCV000808152.43), dbSNP rs151200412, ClinGen allele CA8242359.

ClinVar aggregate classification (germline): Likely benign. Review status: criteria provided, multiple submitters, no conflicts (2 of 4 stars). 2 submissions from 2 submitters: Likely benign (2). Last evaluated 2025-08-01.

Allele frequency attached by ClinVar (database versions not stated): gnomAD 0.00003 and 0.00004; ExAC 0.00005; ESP Exome Variant Server 0.00023; gnomAD exomes 0.00004; TOPMed 0.00004.
gnomAD v4.1: 59 of 1,613,762 alleles (0.0037%); highest among the groups gnomAD compares: African/African-American, 0.008%; no homozygotes.

Submissions (2):

CeGaT Center for Human Genetics Tuebingen
Classification: Likely benign. Last evaluated: 2025-08-01. Review status: criteria provided, single submitter. Criteria: CeGaT Center For Human Genetics Tuebingen Variant Classification Criteria Version 2. Collection method: clinical testing. Allele origin: germline. Affected: yes. Observed: 5 variant alleles.
Comment: ANKRD11: BP4, BP7

Blueprint Genetics
Classification: Likely benign. Last evaluated: 2023-02-01. Review status: criteria provided, single submitter. Criteria: ACMG Guidelines, 2015. Collection method: clinical testing. Allele origin: germline.